The following is an entry in ClinVar:

ClinVar aggregate classification (germline): Likely benign. Review status: criteria provided, multiple submitters, no conflicts (2 of 4 stars). 5 submissions from 4 submitters: Likely benign (4). 1 of the submissions does not count toward it. Last evaluated 2026-07-01.

Conditions:
RNU4ATAC-related disorder. Also called: RNU4ATAC-related condition.
CLASP1-related disorder. Also called: CLASP1-related condition.

Allele frequency attached by ClinVar (database versions not stated): ExAC 0.00046; 1000 Genomes Project 0.00220; gnomAD exomes 0.00221 and 0.00252; gnomAD 0.00229 and 0.00232; TOPMed 0.00263.

Submissions (5):

CeGaT Center for Human Genetics Tuebingen
Classification: Likely benign. Last evaluated: 2026-07-01. Review status: criteria provided, single submitter. Criteria: CeGaT Center For Human Genetics Tuebingen Variant Classification Criteria Version 2. Collection method: clinical testing. Allele origin: germline. Affected: yes. Observed: 3 variant alleles.
Comment: RNU4ATAC: BS2

Labcorp Genetics (formerly Invitae), Labcorp
Classification: Likely benign. Last evaluated: 2026-01-27. Review status: criteria provided, single submitter. Criteria: Invitae Variant Classification Sherloc (09022015). Collection method: clinical testing. Allele origin: germline.

Blueprint Genetics
Classification: Likely benign. Last evaluated: 2024-11-26. Review status: criteria provided, single submitter. Criteria: ACMG Guidelines, 2015. Collection method: clinical testing. Allele origin: germline.

PreventionGenetics, part of Exact Sciences
Classification: Likely benign for CLASP1-related condition. Last evaluated: 2022-06-17. Review status: criteria provided, single submitter. Criteria: ACMG Guidelines, 2015. Collection method: clinical testing. Allele origin: germline.
Comment: This variant is classified as likely benign based on ACMG/AMP sequence variant interpretation guidelines (Richards et al. 2015 PMID: 25741868, with internal and published modifications).

PreventionGenetics, part of Exact Sciences
Classification: Likely benign for RNU4ATAC-related condition. Last evaluated: 2022-06-17. Review status: no assertion criteria provided. Collection method: clinical testing. Allele origin: germline. Not counted in ClinVar's aggregate classification.
Comment: the same text as in the submission from PreventionGenetics, part of Exact Sciences above.

NM_001395891.1(CLASP1):c.196-645dup

Genes: CLASP1-AS1 (CLASP1 antisense RNA 1; plus strand), RNU4ATAC (RNA, U4atac small nuclear; plus strand), CLASP1 (cytoplasmic linker associated protein 1; minus strand). Cytogenetic location: 2q14.2.
Variant type: Duplication.
Coding change: c.196-645dup on transcript NM_001395891.1 (MANE Select); 645 bases into the intron before coding-DNA position 196, one base duplicated (A; older notation c.196-645dupA).
Molecular consequence: intron variant.
Genome position (GRCh38, 1-based): chr2:121,530,970, T duplicated on the plus strand (A on the coding strand, the reverse complement: CLASP1 is on the minus strand). VCF-style (leftmost placement, unchanged base first): chr2-121530969-C-CT. GRCh37 (hg19) VCF-style: chr2-122288545-C-CT.
Other names: c.196-645dup (NM_001378004.1, NM_001142273.2, NM_001207051.2 and 4 more transcripts).
Identifiers: ClinVar variation 1103875 (VCV001103875.21), dbSNP rs544948025, ClinGen allele CA1854728.